The following is an entry in ClinVar:

ClinVar aggregate classification (germline): Uncertain significance (1 of 4 stars; one submission).

Conditions:
Hypertrophic cardiomyopathy 19. Also called: Familial hypertrophic cardiomyopathy 19. Identifiers: MedGen CN077603, MONDO:0013476.

Allele frequency attached by ClinVar (database versions not stated): gnomAD exomes below 0.00001; TOPMed 0.00002.

Submission:

Labcorp Genetics (formerly Invitae), Labcorp
Classification: Uncertain significance for Hypertrophic cardiomyopathy 19. Last evaluated: 2023-08-14. Review status: criteria provided, single submitter. Criteria: Invitae Variant Classification Sherloc (09022015). Collection method: clinical testing. Allele origin: germline.
Comment: This sequence change replaces glycine, which is neutral and non-polar, with valine, which is neutral and non-polar, at codon 338 of the CALR3 protein (p.Gly338Val). This variant is not present in population databases (gnomAD no frequency). This variant has not been reported in the literature in individuals affected with CALR3-related conditions. An algorithm developed to predict the effect of missense changes on protein structure and function (PolyPhen-2) suggests that this variant is likely to be disruptive. In summary, the available evidence is currently insufficient to determine the role of this variant in disease. Therefore, it has been classified as a Variant of Uncertain Significance.

NM_145046.5(CALR3):c.1013G>T (p.Gly338Val)

Gene: CALR3 (calreticulin 3; minus strand). Cytogenetic location: 19p13.11.
Variant type: single nucleotide variant.
Coding change: c.1013G>T on transcript NM_145046.5 (MANE Select); coding-DNA position 1013, G replaced by T.
Protein change: p.Gly338Val; replaces glycine 338 with valine.
Molecular consequence: missense variant.
Genome position (GRCh38, 1-based): chr19:16,479,273, C>A on the plus strand (G>T on the coding strand, the complement: CALR3 is on the minus strand). VCF-style: chr19-16479273-C-A. GRCh37 (hg19) VCF-style: chr19-16590084-C-A.
Other names: short protein forms G338V.
Identifiers: ClinVar variation 2975311 (VCV002975311.3), dbSNP rs998776696, ClinGen allele CA305978102.